The following is an entry in ClinVar:

ClinVar aggregate classification (germline): Likely benign. Review status: criteria provided, multiple submitters, no conflicts (2 of 4 stars). 2 submissions from 2 submitters: Likely benign (2). Last evaluated 2025-07-25.

Conditions:
Tuberous sclerosis 2 (TSC2). Identifiers: Orphanet 805, MedGen C1860707, MONDO:0013199, OMIM 613254.

gnomAD v4.1: 1 of 1,612,980 alleles (0.000062%); highest among the groups gnomAD compares: Non-Finnish European, 0.000085%; no homozygotes.

Submissions (2):

Labcorp Genetics (formerly Invitae), Labcorp
Classification: Likely benign for Tuberous sclerosis 2. Last evaluated: 2025-07-25. Review status: criteria provided, single submitter. Criteria: Invitae Variant Classification Sherloc (09022015). Collection method: clinical testing. Allele origin: germline.

Myriad Genetics, Inc.
Classification: Likely benign for Tuberous sclerosis 2. Last evaluated: 2025-05-28. Review status: criteria provided, single submitter. Criteria: Myriad Autosomal Dominant, Autosomal Recessive and X-Linked Classification Criteria (2023). Collection method: clinical testing. Allele origin: unknown.
Comment: This variant is considered likely benign. This variant is intronic and is not expected to impact mRNA splicing.

NM_000548.5(TSC2):c.3132-12C>T

Gene: TSC2 (TSC complex subunit 2; plus strand). Cytogenetic location: 16p13.3.
Variant type: single nucleotide variant.
Coding change: c.3132-12C>T on transcript NM_000548.5 (MANE Select); 12 bases into the intron before coding-DNA position 3132, C replaced by T.
Molecular consequence: intron variant.
Genome position (GRCh38, 1-based): chr16:2,079,264, C>T. VCF-style: chr16-2079264-C-T. GRCh37 (hg19) VCF-style: chr16-2129265-C-T.
Other names: c.1659-12C>T (NM_001406693.1, NM_001406690.1, NM_001406692.1 and 1 more transcripts); c.3093-12C>T (NM_001406667.1); c.3090-12C>T (NM_001406668.1); c.2532-12C>T (NM_001406680.1, NM_001406683.1, NM_001406682.1); c.2400-12C>T (NM_001406687.1, NM_001318831.2, NM_001406688.1); c.1788-12C>T (NM_001406689.1); c.1656-12C>T (NM_001406691.1, NM_001406697.1, NM_001406695.1 and 1 more transcripts); c.1398-12C>T (NM_001406698.1); and 18 more.
Identifiers: ClinVar variation 2996244 (VCV002996244.4), dbSNP rs112484256, ClinGen allele CA276745474.